The following is an entry in ClinVar:

NC_000023.11:g.38276784T>C

Gene: RPGR (retinitis pigmentosa GTPase regulator; minus strand). Cytogenetic location: Xp11.4.
Variant type: single nucleotide variant.
Molecular consequence: intron variant (on NM_001367249.1).
Genome position: GRCh38 VCF-style: chrX-38276784-T-C. GRCh37 (hg19) VCF-style: chrX-38136037-T-C.
Other names: c.1570-12A>G (NM_001367249.1, NM_001367250.1); c.1903-12A>G (NM_001367245.1); c.1387-12A>G (NM_001367251.1); c.1720-12A>G (NM_001367246.1); c.1573-12A>G (NM_001367247.1); c.1906-12A>G (NM_000328.3); c.1603-12A>G (NM_001367248.1).
Identifiers: ClinVar variation 2842589 (VCV002842589.3), dbSNP rs2519758141, ClinGen allele CA2739273427.

ClinVar aggregate classification (germline): Uncertain significance (1 of 4 stars; one submission).

Conditions:
Primary ciliary dyskinesia. Also called: Ciliary dyskinesia. Identifiers: Orphanet 244, MedGen C0008780, MONDO:0016575, HP:0012265.

Submission:

Labcorp Genetics (formerly Invitae), Labcorp
Classification: Uncertain significance for Primary ciliary dyskinesia. Last evaluated: 2025-01-13. Review status: criteria provided, single submitter. Criteria: Invitae Variant Classification Sherloc (09022015). Collection method: clinical testing. Allele origin: germline.
Comment: This sequence change falls in intron 15 of the RPGR gene. It does not directly change the encoded amino acid sequence of the RPGR protein. This variant is not present in population databases (gnomAD no frequency). This variant has not been reported in the literature in individuals affected with RPGR-related conditions. ClinVar contains an entry for this variant (Variation ID: 2842589). Algorithms developed to predict the effect of sequence changes on RNA splicing suggest that this variant may disrupt the consensus splice site. In summary, the available evidence is currently insufficient to determine the role of this variant in disease. Therefore, it has been classified as a Variant of Uncertain Significance.